The following is an entry in ClinVar:

NM_000080.4(CHRNE):c.1090dup (p.Arg364fs)

Genes: CHRNE (cholinergic receptor nicotinic epsilon subunit; minus strand), LOC130060041 (ATAC-STARR-seq lymphoblastoid silent region 8050; plus strand). Cytogenetic location: 17p13.2.
Variant type: Duplication.
Coding change: c.1090dup on transcript NM_000080.4 (MANE Select); coding-DNA position 1090, one base duplicated (C; older notation c.1090dupC).
Protein change: p.Arg364fs; shifts the reading frame from arginine 364.
Molecular consequence: frameshift variant.
Genome position (GRCh38, 1-based): chr17:4,899,327, G duplicated on the plus strand (C on the coding strand, the reverse complement: CHRNE is on the minus strand); the first of 6 consecutive G bases (chr17:4,899,327-4,899,332); duplicating any one gives the same sequence. VCF-style (leftmost placement, unchanged base first): chr17-4899326-C-CG. GRCh37 (hg19) VCF-style: chr17-4802621-C-CG.
Other names: c.1090dup, p.Arg364fs (LRG_1254t1); c.1090dupC (NM_000080.3, NM_000080.4); short protein forms R364fs.
Identifiers: ClinVar variation 434765 (VCV000434765.41), dbSNP rs1156634884, ClinGen allele CA624855892.

ClinVar aggregate classification (germline): Pathogenic. Review status: criteria provided, multiple submitters, no conflicts (2 of 4 stars). 9 submissions from 9 submitters: Pathogenic (9). Last evaluated 2026-01-07.

Conditions:
CHRNE-related disorder. Also called: CHRNE-related condition.
Congenital myasthenic syndrome (CMS). Also called: Congenital Myasthenic Syndromes. Identifiers: Orphanet 590, MedGen C0751882, MeSH D020294, MONDO:0018940.
Congenital myasthenic syndrome 4A. Also called: MYASTHENIC SYNDROME, CONGENITAL, 4A, SLOW-CHANNEL, AUTOSOMAL RECESSIVE; CONGENITAL MYASTHENIC SYNDROME TYPE Ia1; Myasthenic syndrome, congenital, 4a, slow-channel. Identifiers: Orphanet 590, MedGen C4225413, MONDO:0011600, OMIM 605809.
Abnormality of the musculature. Identifiers: MedGen C4021745, HP:0003011.

Submissions (9):

Labcorp Genetics (formerly Invitae), Labcorp
Classification: Pathogenic for Congenital myasthenic syndrome 4A. Last evaluated: 2026-01-07. Review status: criteria provided, single submitter. Criteria: Invitae Variant Classification Sherloc (09022015). Collection method: clinical testing. Allele origin: germline.
Comment: This sequence change creates a premature translational stop signal (p.Arg364Profs*33) in the CHRNE gene. It is expected to result in an absent or disrupted protein product. Loss-of-function variants in CHRNE are known to be pathogenic (PMID: 22678886). The frequency data for this variant in the population databases is considered unreliable, as metrics indicate poor data quality at this position in the gnomAD database. This variant has not been reported in the literature in individuals affected with CHRNE-related conditions. ClinVar contains an entry for this variant (Variation ID: 434765). For these reasons, this variant has been classified as Pathogenic.

Natera, Inc.
Classification: Pathogenic for Congenital myasthenic syndrome. Last evaluated: 2025-12-26. Review status: criteria provided, single submitter. Criteria: Natera Variant Classification Schema (03/2026). Collection method: clinical testing. Allele origin: germline.
Comment: The c.1090dupC variant in CHRNE is a frameshift variant predicted to shift the reading frame beginning at codon 364 and leads to a stop codon 33 codons downstream. This variant is expected to result in nonsense mediated decay, truncation, or a dysfunctional protein product. This variant is rare in the general population with a frequency below the threshold expected for the associated phenotype(s). This variant has been observed in one or more individuals affected with the associated recessive disease, as either homozygous or compound heterozygous with a second variant (PMID: 38374194). Given the available evidence, this variant is classified as Pathogenic.

Myriad Genetics, Inc.
Classification: Pathogenic for Congenital myasthenic syndrome. Last evaluated: 2025-07-14. Review status: criteria provided, single submitter. Criteria: Myriad Autosomal Dominant, Autosomal Recessive and X-Linked Classification Criteria (2023). Collection method: clinical testing. Allele origin: unknown.
Comment: NM_000080.3(CHRNE):c.1090dupC(R364Pfs*33) is a frameshift variant classified as pathogenic in the context of congenital myasthenic syndrome, CHRNE-related. R364Pfs*33 has been observed in cases with relevant disease (PMID: 33471587). Relevant functional assessments of this variant are not available in the literature. R364Pfs*33 has been observed in referenced population frequency databases. In summary, NM_000080.3(CHRNE):c.1090dupC(R364Pfs*33) is a frameshift variant in a gene where loss of function is a known mechanism of disease, is predicted to disrupt protein function, and has been observed more frequently in cases with the relevant disease than in healthy populations. Please note: this variant was assessed in the context of healthy population screening.

PreventionGenetics, part of Exact Sciences
Classification: Pathogenic for CHRNE-related condition. Last evaluated: 2025-06-16. Review status: criteria provided, single submitter. Criteria: ACMG Guidelines, 2015. Collection method: clinical testing. Allele origin: germline.
Comment: The CHRNE c.1090dupC variant is predicted to result in a frameshift and premature protein termination (p.Arg364Profs*33). To our knowledge, this variant has not been reported in the literature. This variant is reported in 0.0015% of alleles in individuals of European (Non-Finnish) descent in gnomAD. At PreventionGenetics, we have observed the c.1090dupC variant in the compound heterozygous and homozygous state in individuals being testing for congenital myasthenic syndrome (internal data). Frameshift variants in CHRNE are expected to be pathogenic. This variant is interpreted as pathogenic.

GeneDx
Classification: Pathogenic. Last evaluated: 2025-05-30. Review status: criteria provided, single submitter. Criteria: GeneDx Variant Classification Process June 2021. Collection method: clinical testing. Allele origin: germline. Affected: yes.
Comment: Frameshift variant predicted to result in protein truncation or nonsense mediated decay in a gene for which loss of function is a known mechanism of disease; Not observed at significant frequency in large population cohorts (gnomAD); This variant is associated with the following publications: (PMID: 39550999, 38374194)

Baylor Genetics
Classification: Pathogenic for Congenital myasthenic syndrome 4A. Last evaluated: 2023-12-14. Review status: criteria provided, single submitter. Criteria: ACMG Guidelines, 2015. Collection method: clinical testing. Allele origin: unknown.

Kariminejad - Najmabadi Pathology & Genetics Center
Classification: Pathogenic for Abnormality of the musculature. Last evaluated: 2021-07-10. Review status: criteria provided, single submitter. Criteria: ACMG Guidelines, 2015. Collection method: clinical testing. Allele origin: germline. Affected: yes.

Revvity Omics, Revvity
Classification: Pathogenic. Last evaluated: 2019-11-05. Review status: criteria provided, single submitter. Criteria: ACMG Guidelines, 2015. Collection method: clinical testing. Allele origin: germline.

Genetic Services Laboratory, University of Chicago
Classification: Pathogenic for Congenital myasthenic syndrome. Last evaluated: 2016-08-22. Review status: criteria provided, single submitter. Criteria: ACMG Guidelines, 2015. Collection method: clinical testing. Allele origin: germline. Affected: yes.

Literature cited by the submitters: PubMed 22678886 (cited by Labcorp Genetics (formerly Invitae), Labcorp); PubMed 38374194 (cited by Natera, Inc.); PubMed 33471587 (cited by Myriad Genetics, Inc.).